The following is an entry in ClinVar:

NM_015100.4(POGZ):c.2246G>T (p.Gly749Val)

Gene: POGZ (pogo transposable element derived with ZNF domain; minus strand). Cytogenetic location: 1q21.3.
Variant type: single nucleotide variant.
Coding change: c.2246G>T on transcript NM_015100.4 (MANE Select); coding-DNA position 2246, G replaced by T.
Protein change: p.Gly749Val; replaces glycine 749 with valine.
Molecular consequence: missense variant.
Genome position (GRCh38, 1-based): chr1:151,408,229, C>A on the plus strand (G>T on the coding strand, the complement: POGZ is on the minus strand). VCF-style: chr1-151408229-C-A. GRCh37 (hg19) VCF-style: chr1-151380705-C-A.
Other names: c.1961G>T, p.Gly654Val (NM_145796.4); c.2087G>T, p.Gly696Val (NM_207171.2); c.2219G>T, p.Gly740Val (NM_001194937.2); c.2060G>T, p.Gly687Val (NM_001194938.2); c.2267G>T, p.Gly756Val (NM_001410860.1); short protein forms G654V, G687V, G696V, G740V, G749V, G756V.
Identifiers: ClinVar variation 5017173 (VCV005017173.1).

ClinVar aggregate classification (germline): Uncertain significance (1 of 4 stars; one submission).

Submission:

GeneDx
Classification: Uncertain significance. Last evaluated: 2026-03-22. Review status: criteria provided, single submitter. Criteria: GeneDx Variant Classification Process June 2021. Collection method: clinical testing. Allele origin: germline.
Comment: Not observed at significant frequency in large population cohorts (gnomAD); In silico analysis supports that this missense variant has a deleterious effect on protein structure/function; Has not been previously published as pathogenic or benign to our knowledge